The following is an entry in ClinVar:

ClinVar aggregate classification (germline): Uncertain significance (1 of 4 stars; one submission).

Allele frequency attached by ClinVar (database versions not stated): TOPMed 0.00005; gnomAD 0.00007 and 0.00008; ESP Exome Variant Server 0.00015.
gnomAD v4.1: 16 of 1,613,756 alleles (0.00099%); highest among the groups gnomAD compares: African/African-American, 0.02%; no homozygotes.

Submission:

Labcorp Genetics (formerly Invitae), Labcorp
Classification: Uncertain significance. Last evaluated: 2025-12-21. Review status: criteria provided, single submitter. Criteria: Invitae Variant Classification Sherloc (09022015). Collection method: clinical testing. Allele origin: germline.
Comment: This sequence change affects codon 705 of the MYLK3 mRNA. It is a 'silent' change, meaning that it does not change the encoded amino acid sequence of the MYLK3 protein. It affects a nucleotide within the consensus splice site. This variant is present in population databases (rs369405932, gnomAD 0.02%). This variant has not been reported in the literature in individuals affected with MYLK3-related conditions. ClinVar contains an entry for this variant (Variation ID: 1516022). Algorithms developed to predict the effect of sequence changes on RNA splicing suggest that this variant is not likely to affect RNA splicing. In summary, the available evidence is currently insufficient to determine the role of this variant in disease. Therefore, it has been classified as a Variant of Uncertain Significance.

NM_182493.3(MYLK3):c.2115A>T (p.Leu705=)

Gene: MYLK3 (myosin light chain kinase 3; minus strand). Cytogenetic location: 16q11.2.
Variant type: single nucleotide variant.
Coding change: c.2115A>T on transcript NM_182493.3 (MANE Select); coding-DNA position 2115, A replaced by T.
Protein change: p.Leu705=; no amino-acid change (leucine 705 retained).
Molecular consequence: synonymous variant.
Genome position (GRCh38, 1-based): chr16:46,710,789, T>A on the plus strand (A>T on the coding strand, the complement: MYLK3 is on the minus strand). VCF-style: chr16-46710789-T-A. GRCh37 (hg19) VCF-style: chr16-46744701-T-A.
Other names: c.1092A>T, p.Leu364= (NM_001308301.1).
Identifiers: ClinVar variation 1516022 (VCV001516022.8), dbSNP rs369405932, ClinGen allele CA8037708.